The following is an entry in ClinVar:

ClinVar aggregate classification (germline): Likely benign. Review status: criteria provided, single submitter (1 of 4 stars). 2 submissions from 2 submitters: Likely benign (1). 1 of the submissions does not count toward it. Last evaluated 2022-05-01.

Conditions:
PLXNA3-related disorder. Also called: PLXNA3-related condition.

Allele frequency attached by ClinVar (database versions not stated): 1000 Genomes Project 30x 0.00021; 1000 Genomes Project 0.00026; gnomAD 0.00028; gnomAD exomes 0.00031; TOPMed 0.00032; ExAC 0.00038; ESP Exome Variant Server 0.00038.
gnomAD v4.1: 371 of 1,209,035 alleles (0.031%); highest among the groups gnomAD compares: East Asian, 0.13%; no homozygotes.

Submissions (2):

CeGaT Center for Human Genetics Tuebingen
Classification: Likely benign. Last evaluated: 2022-05-01. Review status: criteria provided, single submitter. Criteria: CeGaT Center For Human Genetics Tuebingen Variant Classification Criteria Version 2. Collection method: clinical testing. Allele origin: germline. Affected: yes. Observed: 1 variant allele.
Comment: PLXNA3: BP4, BP7

PreventionGenetics, part of Exact Sciences
Classification: Likely benign for PLXNA3-related condition. Last evaluated: 2021-08-04. Review status: no assertion criteria provided. Collection method: clinical testing. Allele origin: germline. Not counted in ClinVar's aggregate classification.
Comment: This variant is classified as likely benign based on ACMG/AMP sequence variant interpretation guidelines (Richards et al. 2015 PMID: 25741868, with internal and published modifications).

NM_017514.5(PLXNA3):c.144C>T (p.Gly48=)

Gene: PLXNA3 (plexin A3; plus strand). Cytogenetic location: Xq28.
Variant type: single nucleotide variant.
Coding change: c.144C>T on transcript NM_017514.5 (MANE Select); coding-DNA position 144, C replaced by T.
Protein change: p.Gly48=; no amino-acid change (glycine 48 retained).
Molecular consequence: synonymous variant.
Genome position (GRCh38, 1-based): chrX:154,460,327, C>T. VCF-style: chrX-154460327-C-T. GRCh37 (hg19) VCF-style: chrX-153688667-C-T.
Identifiers: ClinVar variation 2661820 (VCV002661820.25), dbSNP rs141311907, ClinGen allele CA10563607.
Genomic context (GRCh38, chrX:154,460,327, plus strand): 5'-GACAGACACCACGCTTACCCACCTGGCTGTGCACCGGGTGACTGGGGAGGTGTTCGTGGG[C>T]GCAGTGAACCGAGTCTTTAAGCTGGCCCCCAACCTGACTGAGCTGCGGGCCCATGTCACG-3'
Protein context (NP_059984.3, residues 38-58): VHRVTGEVFV[Gly48=]AVNRVFKLAP